The following is an entry in ClinVar:

NM_022168.4(IFIH1):c.1709T>G (p.Met570Arg)

Gene: IFIH1 (interferon induced with helicase C domain 1; minus strand). Cytogenetic location: 2q24.2.
Variant type: single nucleotide variant.
Coding change: c.1709T>G on transcript NM_022168.4 (MANE Select); coding-DNA position 1709, T replaced by G.
Protein change: p.Met570Arg; replaces methionine 570 with arginine.
Molecular consequence: missense variant.
Genome position (GRCh38, 1-based): chr2:162,278,261, A>C on the plus strand (T>G on the coding strand, the complement: IFIH1 is on the minus strand). VCF-style: chr2-162278261-A-C. GRCh37 (hg19) VCF-style: chr2-163134771-A-C.
Other names: short protein forms M570R.
Identifiers: ClinVar variation 3763961 (VCV003763961.2).

ClinVar aggregate classification (germline): Uncertain significance (1 of 4 stars; one submission).

Conditions:
Aicardi-Goutieres syndrome 7 (AGS7). Identifiers: Orphanet 51, MedGen C3888244, MONDO:0014367, OMIM 615846.
Singleton-Merten syndrome 1 (SGMRT1). Also called: Widened medullary cavities of bone, aortic calcification, abnormal dentition, and muscular weakness; Syndrome of widened medullary cavities of the metacarpals and phalanges, aortic calcification and abnormal dentition. Identifiers: Orphanet 85191, MedGen C4225427, MONDO:0024535, OMIM 182250.

gnomAD v4.1: 1 of 1,575,494 alleles (0.000063%); highest among the groups gnomAD compares: East Asian, 0.0022%; no homozygotes.

Submission:

Labcorp Genetics (formerly Invitae), Labcorp
Classification: Uncertain significance for Aicardi-Goutieres syndrome 7; Singleton-Merten syndrome 1. Last evaluated: 2024-08-04. Review status: criteria provided, single submitter. Criteria: Invitae Variant Classification Sherloc (09022015). Collection method: clinical testing. Allele origin: germline.
Comment: This sequence change replaces methionine, which is neutral and non-polar, with arginine, which is basic and polar, at codon 570 of the IFIH1 protein (p.Met570Arg). This variant is not present in population databases (gnomAD no frequency). This variant has not been reported in the literature in individuals affected with IFIH1-related conditions. Advanced modeling of protein sequence and biophysical properties (such as structural, functional, and spatial information, amino acid conservation, physicochemical variation, residue mobility, and thermodynamic stability) has been performed at Invitae for this missense variant, however the output from this modeling did not meet the statistical confidence thresholds required to predict the impact of this variant on IFIH1 protein function. In summary, the available evidence is currently insufficient to determine the role of this variant in disease. Therefore, it has been classified as a Variant of Uncertain Significance.